The following is an entry in ClinVar:

NM_014244.5(ADAMTS2):c.1458C>T (p.Tyr486=)

Gene: ADAMTS2 (ADAM metallopeptidase with thrombospondin type 1 motif 2; minus strand). Cytogenetic location: 5q35.3.
Variant type: single nucleotide variant.
Coding change: c.1458C>T on transcript NM_014244.5 (MANE Select); coding-DNA position 1458, C replaced by T.
Protein change: p.Tyr486=; no amino-acid change (tyrosine 486 retained).
Molecular consequence: synonymous variant.
Genome position (GRCh38, 1-based): chr5:179,153,548, G>A on the plus strand (C>T on the coding strand, the complement: ADAMTS2 is on the minus strand). VCF-style: chr5-179153548-G-A. GRCh37 (hg19) VCF-style: chr5-178580549-G-A.
Other names: p.Tyr486=; c.1458C>T, p.Tyr486= (NM_021599.4).
Identifiers: ClinVar variation 353121 (VCV000353121.66), dbSNP rs61757478, ClinGen allele CA3595910.

ClinVar aggregate classification (germline): Benign/Likely benign. Review status: criteria provided, multiple submitters, no conflicts (2 of 4 stars). 9 submissions from 9 submitters: Benign (6); Likely benign (2). 1 of the submissions does not count toward it. Last evaluated 2026-09-01.

Conditions:
Ehlers-Danlos syndrome (EDS). Identifiers: Orphanet 98249, MedGen C0013720, MONDO:0020066.
Ehlers-Danlos syndrome, dermatosparaxis type. Also called: Dermatosparaxis; Ehlers-Danlos syndrome, type VII, autosomal recessive; EDS VIIC. Identifiers: Orphanet 1901, MedGen C2700425, MONDO:0009161, OMIM 225410.

Allele frequency attached by ClinVar (database versions not stated): 1000 Genomes Project 30x 0.00203; 1000 Genomes Project 0.00220; TOPMed 0.00253; ESP Exome Variant Server 0.00331; ExAC 0.00407; gnomAD 0.00412 and 0.00427; gnomAD exomes 0.00418.
gnomAD v4.1: 6,690 of 1,610,818 alleles (0.42%); highest among the groups gnomAD compares: Non-Finnish European, 0.44%; 27 homozygotes.

Submissions (9):

CeGaT Center for Human Genetics Tuebingen
Classification: Likely benign. Last evaluated: 2026-09-01. Review status: criteria provided, single submitter. Criteria: CeGaT Center For Human Genetics Tuebingen Variant Classification Criteria Version 2. Collection method: clinical testing. Allele origin: germline. Affected: yes. Observed: 39 variant alleles.
Comment: ADAMTS2: BP4, BP7, BS2

Labcorp Genetics (formerly Invitae), Labcorp
Classification: Benign for Ehlers-Danlos syndrome, dermatosparaxis type. Last evaluated: 2026-02-04. Review status: criteria provided, single submitter. Criteria: Invitae Variant Classification Sherloc (09022015). Collection method: clinical testing. Allele origin: germline.

Genome Diagnostics Laboratory, The Hospital for Sick Children
Classification: Benign for Ehlers-Danlos syndrome. Last evaluated: 2022-04-04. Review status: criteria provided, single submitter. Criteria: ACMG Guidelines, 2015. Collection method: clinical testing. Allele origin: germline.

Genome-Nilou Lab
Classification: Benign for Ehlers-Danlos syndrome, dermatosparaxis type. Last evaluated: 2021-05-18. Review status: criteria provided, single submitter. Criteria: ACMG Guidelines, 2015. Collection method: clinical testing. Allele origin: germline. Affected: no.

Mayo Clinic Laboratories, Mayo Clinic
Classification: Benign. Last evaluated: 2019-05-30. Review status: criteria provided, single submitter. Criteria: ACMG Guidelines, 2015. Collection method: clinical testing. Allele origin: germline. Observed: 34 variant alleles.

Women's Health and Genetics/Laboratory Corporation of America, LabCorp
Classification: Benign. Last evaluated: 2018-12-26. Review status: criteria provided, single submitter. Criteria: LabCorp Variant Classification Summary - May 2015. Collection method: clinical testing. Allele origin: germline.
Comment: Variant summary: ADAMTS2 c.1458C>T alters a conserved nucleotide resulting in a synonymous change. 5/5 computational tools predict no significant impact on normal splicing. However, these predictions have yet to be confirmed by functional studies. The variant allele was found at a frequency of 0.0046 in 272964 control chromosomes, including 7 homozygotes (gnomAD). The observed variant frequency within Finnish control individuals (0.018) in the gnomAD database is approximately 6-fold of the estimated maximal expected allele frequency for a pathogenic variant in ADAMTS2 causing Ehlers-Danlos Syndrome, Type VIIC (Dermatosparaxis) phenotype (0.0029), strongly suggesting that the variant is a benign polymorphism. To our knowledge, no occurrence of c.1458C>T in individuals affected with Ehlers-Danlos Syndrome, Type VIIC (Dermatosparaxis) and no experimental evidence demonstrating its impact on protein function have been reported. Three clinical diagnostic laboratories have submitted clinical-significance assessments for this variant to ClinVar after 2014 without evidence for independent evaluation (2 classifying it as benign/likely benign and 1 as VUS). Based on the evidence outlined above, the variant was classified as benign.

GeneDx
Classification: Benign. Last evaluated: 2018-07-31. Review status: criteria provided, single submitter. Criteria: GeneDx Variant Classification Process June 2021. Collection method: clinical testing. Allele origin: germline. Affected: yes.

Illumina Laboratory Services, Illumina
Classification: Likely benign for Ehlers-Danlos syndrome, dermatosparaxis type. Last evaluated: 2018-01-12. Review status: criteria provided, single submitter. Criteria: ICSL Variant Classification Criteria 13 December 2019. Collection method: clinical testing. Allele origin: germline.
Comment: This variant was observed in the ICSL laboratory as part of a predisposition screen in an ostensibly healthy population. It had not been previously curated by ICSL or reported in the Human Gene Mutation Database (HGMD: prior to June 1st, 2018), and was therefore a candidate for classification through an automated scoring system. Utilizing variant allele frequency, disease prevalence and penetrance estimates, and inheritance mode, an automated score was calculated to assess if this variant is too frequent to cause the disease. Based on the score and internal cut-off values, a variant classified as likely benign is not then subjected to further curation. The score for this variant resulted in a classification of likely benign for this disease.

Natera, Inc.
Classification: Benign for Ehlers-Danlos syndrome type VIIC. Last evaluated: 2019-10-18. Review status: no assertion criteria provided. Collection method: clinical testing. Allele origin: germline. Not counted in ClinVar's aggregate classification.